The following is an entry in ClinVar:

ClinVar aggregate classification (germline): Likely pathogenic (1 of 4 stars; one submission).

Conditions:
Anemia, nonspherocytic hemolytic, due to G6PD deficiency (CNSHA1). Also called: Hemolytic anemia due to G6PD deficiency; Class I glucose-6-phosphate dehydrogenase deficiency; Favism, susceptibility to; ANEMIA, CONGENITAL, NONSPHEROCYTIC HEMOLYTIC, 1. Identifiers: Orphanet 466026, MedGen C2720289, MONDO:0010480, OMIM 300908.

Submission:

Labcorp Genetics (formerly Invitae), Labcorp
Classification: Likely pathogenic for Anemia, nonspherocytic hemolytic, due to G6PD deficiency. Last evaluated: 2025-10-03. Review status: criteria provided, single submitter. Criteria: Invitae Variant Classification Sherloc (09022015). Collection method: clinical testing. Allele origin: germline.
Comment: This sequence change replaces phenylalanine, which is neutral and non-polar, with serine, which is neutral and polar, at codon 445 of the G6PD protein (p.Phe445Ser). This variant is not present in population databases (gnomAD no frequency). This missense change has been observed in individual(s) with Glucose-6-phosphate dehydrogenase deficiency (internal). Invitae Evidence Modeling of protein sequence and biophysical properties (such as structural, functional, and spatial information, amino acid conservation, physicochemical variation, residue mobility, and thermodynamic stability) indicates that this missense variant is expected to disrupt G6PD protein function with a positive predictive value of 95%. In summary, the currently available evidence indicates that the variant is pathogenic, but additional data are needed to prove that conclusively. Therefore, this variant has been classified as Likely Pathogenic.

NM_001360016.2(G6PD):c.1334T>C (p.Phe445Ser)

Gene: G6PD (glucose-6-phosphate dehydrogenase; minus strand). Cytogenetic location: Xq28.
Variant type: single nucleotide variant.
Coding change: c.1334T>C on transcript NM_001360016.2 (MANE Select); coding-DNA position 1334, T replaced by C.
Protein change: p.Phe445Ser; replaces phenylalanine 445 with serine.
Molecular consequence: missense variant.
Genome position (GRCh38, 1-based): chrX:154,532,416, A>G on the plus strand (T>C on the coding strand, the complement: G6PD is on the minus strand). VCF-style: chrX-154532416-A-G. GRCh37 (hg19) VCF-style: chrX-153760631-A-G.
Other names: c.1424T>C, p.Phe475Ser (NM_000402.4); c.1334T>C, p.Phe445Ser (NM_001042351.3); short protein forms F445S, F475S.
Identifiers: ClinVar variation 4746368 (VCV004746368.1).